The following is an entry in ClinVar:

ClinVar aggregate classification (germline): Uncertain significance (1 of 4 stars; one submission).

Conditions:
Inborn genetic diseases. Identifiers: MedGen C0950123, MeSH D030342.

Submission:

Ambry Genetics
Classification: Uncertain significance for Inborn genetic diseases. Last evaluated: 2022-05-23. Review status: criteria provided, single submitter. Criteria: Ambry Variant Classification Scheme 2023. Collection method: clinical testing. Allele origin: germline.
Comment: The p.S65F variant (also known as c.194C>T), located in coding exon 3 of the ATR gene, results from a C to T substitution at nucleotide position 194. The serine at codon 65 is replaced by phenylalanine, an amino acid with highly dissimilar properties. This amino acid position is conserved. In addition, this alteration is predicted to be deleterious by in silico analysis. Since supporting evidence is limited at this time, the clinical significance of this alteration remains unclear.

NM_001184.4(ATR):c.194C>T (p.Ser65Phe)

Gene: ATR (ATR checkpoint kinase; minus strand). Cytogenetic location: 3q23.
Variant type: single nucleotide variant.
Coding change: c.194C>T on transcript NM_001184.4 (MANE Select); coding-DNA position 194, C replaced by T.
Protein change: p.Ser65Phe; replaces serine 65 with phenylalanine.
Molecular consequence: missense variant.
Genome position (GRCh38, 1-based): chr3:142,566,219, G>A on the plus strand (C>T on the coding strand, the complement: ATR is on the minus strand). VCF-style: chr3-142566219-G-A. GRCh37 (hg19) VCF-style: chr3-142285061-G-A.
Other names: c.194C>T, p.Ser65Phe (NM_001354579.2); short protein forms S65F.
Identifiers: ClinVar variation 1783196 (VCV001783196.2), dbSNP rs2108494381, ClinGen allele CA354828633.